The following is an entry in ClinVar:

ClinVar aggregate classification (germline): Uncertain significance (1 of 4 stars; one submission).

Submission:

Athena Diagnostics
Classification: Uncertain significance. Last evaluated: 2025-04-23. Review status: criteria provided, single submitter. Criteria: Athena Diagnostics Criteria. Collection method: clinical testing. Allele origin: unknown.
Comment: Available data are insufficient to determine the clinical significance of the variant at this time. This variant has not been reported in large, multi-ethnic general populations. This variant has been identified in at least one individual with clinical features associated with this gene. The variant is located in a region that is not considered important for protein function and/or structure. Polyphen and MutationTaster predict this amino acid change may be damaging to the protein.

NM_001009944.3(PKD1):c.5921T>C (p.Leu1974Pro)

Gene: PKD1 (polycystin 1, transient receptor potential channel interacting; minus strand). Cytogenetic location: 16p13.3.
Variant type: single nucleotide variant.
Coding change: c.5921T>C on transcript NM_001009944.3 (MANE Select); coding-DNA position 5921, T replaced by C.
Protein change: p.Leu1974Pro; replaces leucine 1974 with proline.
Molecular consequence: missense variant.
Genome position (GRCh38, 1-based): chr16:2,109,246, A>G on the plus strand (T>C on the coding strand, the complement: PKD1 is on the minus strand). VCF-style: chr16-2109246-A-G. GRCh37 (hg19) VCF-style: chr16-2159247-A-G.
Other names: c.5921T>C, p.Leu1974Pro (NM_000296.4); short protein forms L1974P.
Identifiers: ClinVar variation 4682356 (VCV004682356.1).